The following is an entry in ClinVar:

ClinVar aggregate classification (germline): Benign/Likely benign. Review status: criteria provided, multiple submitters, no conflicts (2 of 4 stars). 3 submissions from 3 submitters: Benign (1); Likely benign (1). 1 of the submissions does not count toward it. Last evaluated 2026-02-02.

Conditions:
TPP2-related disorder. Also called: TPP2-related condition.
Evans syndrome, immunodeficiency, and premature immunosenescence associated with tripeptidyl-peptidase II deficiency. Identifiers: MedGen CN231723. Disease mechanism: loss of function.

Allele frequency attached by ClinVar (database versions not stated): 1000 Genomes Project 0.00080; ESP Exome Variant Server 0.00085; gnomAD 0.00089; TOPMed 0.00096; 1000 Genomes Project 30x 0.00109.
gnomAD v4.1: 406 of 1,603,624 alleles (0.025%); highest among the groups gnomAD compares: African/African-American, 0.34%; no homozygotes.

Submissions (3):

Labcorp Genetics (formerly Invitae), Labcorp
Classification: Benign for Evans syndrome, immunodeficiency, and premature immunosenescence associated with tripeptidyl-peptidase II deficiency. Last evaluated: 2026-02-02. Review status: criteria provided, single submitter. Criteria: Invitae Variant Classification Sherloc (09022015). Collection method: clinical testing. Allele origin: germline.

Blueprint Genetics
Classification: Likely benign. Last evaluated: 2024-09-23. Review status: criteria provided, single submitter. Criteria: ACMG Guidelines, 2015. Collection method: clinical testing. Allele origin: germline.

PreventionGenetics, part of Exact Sciences
Classification: Likely benign for TPP2-related condition. Last evaluated: 2024-01-04. Review status: no assertion criteria provided. Collection method: clinical testing. Allele origin: germline. Not counted in ClinVar's aggregate classification.
Comment: This variant is classified as likely benign based on ACMG/AMP sequence variant interpretation guidelines (Richards et al. 2015 PMID: 25741868, with internal and published modifications).

NM_001330588.2(TPP2):c.3168C>T (p.Asn1056=)

Gene: TPP2 (tripeptidyl peptidase 2; plus strand). Cytogenetic location: 13q33.1.
Variant type: single nucleotide variant.
Coding change: c.3168C>T on transcript NM_001330588.2 (MANE Select); coding-DNA position 3168, C replaced by T.
Protein change: p.Asn1056=; no amino-acid change (asparagine 1056 retained).
Molecular consequence: synonymous variant. On other transcripts: non-coding transcript variant (1).
Genome position (GRCh38, 1-based): chr13:102,663,672, C>T. VCF-style: chr13-102663672-C-T. GRCh37 (hg19) VCF-style: chr13-103316022-C-T.
Other names: c.3168C>T, p.Asn1056= (LRG_1341t1); c.3129C>T (NM_003291.3); c.3129C>T, p.Asn1043= (NM_001367947.1, NM_003291.4).
Identifiers: ClinVar variation 478054 (VCV000478054.15), dbSNP rs141975686, ClinGen allele CA7038210.